The following is an entry in ClinVar:

ClinVar aggregate classification (germline): Uncertain significance (1 of 4 stars; one submission).

Submission:

CeGaT Center for Human Genetics Tuebingen
Classification: Uncertain significance. Last evaluated: 2026-03-01. Review status: criteria provided, single submitter. Criteria: CeGaT Center For Human Genetics Tuebingen Variant Classification Criteria Version 2. Collection method: clinical testing. Allele origin: germline. Affected: yes. Observed: 1 variant allele.
Comment: PDZD7: PM2, PM3:Supporting

NM_001195263.2(PDZD7):c.2803T>A (p.Tyr935Asn)

Gene: PDZD7 (PDZ domain containing 7; minus strand). Cytogenetic location: 10q24.31.
Variant type: single nucleotide variant.
Coding change: c.2803T>A on transcript NM_001195263.2 (MANE Select); coding-DNA position 2803, T replaced by A.
Protein change: p.Tyr935Asn; replaces tyrosine 935 with asparagine.
Molecular consequence: missense variant.
Genome position (GRCh38, 1-based): chr10:101,008,766, A>T on the plus strand (T>A on the coding strand, the complement: PDZD7 is on the minus strand). VCF-style: chr10-101008766-A-T. GRCh37 (hg19) VCF-style: chr10-102768523-A-T.
Other names: c.2800T>A, p.Tyr934Asn (NM_001437429.1); short protein forms Y934N, Y935N.
Identifiers: ClinVar variation 4822015 (VCV004822015.4).